The following is an entry in ClinVar:

ClinVar aggregate classification (germline): Uncertain significance. Review status: criteria provided, multiple submitters, no conflicts (2 of 4 stars). 3 submissions from 3 submitters: Uncertain significance (3). Last evaluated 2024-08-27.

Conditions:
Cardiovascular phenotype. Identifiers: MedGen CN230736.

Allele frequency attached by ClinVar (database versions not stated): gnomAD exomes 0.00001; TOPMed 0.00002.
gnomAD v4.1: 3 of 1,614,034 alleles (0.00019%); highest among the groups gnomAD compares: Non-Finnish European, 0.00025%; no homozygotes.

Submissions (3):

Women's Health and Genetics/Laboratory Corporation of America, LabCorp
Classification: Uncertain significance. Last evaluated: 2024-08-27. Review status: criteria provided, single submitter. Criteria: LabCorp Variant Classification Summary - May 2015. Collection method: clinical testing. Allele origin: germline.

Ambry Genetics
Classification: Uncertain significance for Cardiovascular phenotype. Last evaluated: 2021-11-14. Review status: criteria provided, single submitter. Criteria: Ambry Variant Classification Scheme 2023. Collection method: clinical testing. Allele origin: germline.
Comment: The p.D237V variant (also known as c.710A>T), located in coding exon 6 of the ABCG8 gene, results from an A to T substitution at nucleotide position 710. The aspartic acid at codon 237 is replaced by valine, an amino acid with highly dissimilar properties. This amino acid position is conserved. In addition, this alteration is predicted to be deleterious by in silico analysis. Since supporting evidence is limited at this time, the clinical significance of this alteration remains unclear.

Labcorp Genetics (formerly Invitae), Labcorp
Classification: Uncertain significance. Last evaluated: 2020-12-20. Review status: criteria provided, single submitter. Criteria: Invitae Variant Classification Sherloc (09022015). Collection method: clinical testing. Allele origin: germline.
Comment: In summary, the available evidence is currently insufficient to determine the role of this variant in disease. Therefore, it has been classified as a Variant of Uncertain Significance. Algorithms developed to predict the effect of missense changes on protein structure and function are either unavailable or do not agree on the potential impact of this missense change (SIFT: "Deleterious"; PolyPhen-2: "Probably Damaging"; Align-GVGD: "Class C0"). This variant has not been reported in the literature in individuals with ABCG8-related conditions. This variant is not present in population databases (ExAC no frequency). This sequence change replaces aspartic acid with valine at codon 237 of the ABCG8 protein (p.Asp237Val). The aspartic acid residue is highly conserved and there is a large physicochemical difference between aspartic acid and valine.

NM_022437.3(ABCG8):c.710A>T (p.Asp237Val)

Gene: ABCG8 (ATP binding cassette subfamily G member 8; plus strand). Cytogenetic location: 2p21.
Variant type: single nucleotide variant.
Coding change: c.710A>T on transcript NM_022437.3 (MANE Select); coding-DNA position 710, A replaced by T.
Protein change: p.Asp237Val; replaces aspartic acid 237 with valine.
Molecular consequence: missense variant.
Genome position (GRCh38, 1-based): chr2:43,852,614, A>T. VCF-style: chr2-43852614-A-T. GRCh37 (hg19) VCF-style: chr2-44079753-A-T.
Other names: c.710A>T, p.Asp237Val (NM_001357321.2); short protein forms D237V.
Identifiers: ClinVar variation 1504800 (VCV001504800.11), dbSNP rs1163985023, ClinGen allele CA346666306.